The following is an entry in ClinVar:

ClinVar aggregate classification (germline): Uncertain significance. Review status: criteria provided, multiple submitters, no conflicts (2 of 4 stars). 4 submissions from 4 submitters: Uncertain significance (4). Last evaluated 2025-12-05.

Conditions:
Autosomal dominant nonsyndromic hearing loss 65. Also called: Deafness, autosomal dominant 65; TBC1D24-Related Autosomal Dominant Nonsyndromic Hearing Loss (DFNA). Identifiers: Orphanet 90635, MedGen C3892048, MONDO:0014470, OMIM 616044.
Developmental and epileptic encephalopathy, 1 (DEE1). Also called: X-linked infantile spasms; West's syndrome; Tonic spasms with clustering, arrest of psychomotor development and hypsarrhythmia on EEG; X-Linked Infantile Spasm Syndrome; Epileptic encephalopathy, early infantile, 1; OHTAHARA SYNDROME, X-LINKED. Identifiers: MedGen C3463992, MONDO:0010632, OMIM 308350. Disease mechanism: loss of function.
Inborn genetic diseases. Identifiers: MedGen C0950123, MeSH D030342.

Allele frequency attached by ClinVar (database versions not stated): gnomAD exomes 0.00001 and below 0.00001; gnomAD 0.00001; TOPMed 0.00001.

Submissions (4):

Labcorp Genetics (formerly Invitae), Labcorp
Classification: Uncertain significance for Developmental and epileptic encephalopathy, 1; Autosomal dominant nonsyndromic hearing loss 65. Last evaluated: 2025-12-05. Review status: criteria provided, single submitter. Criteria: Invitae Variant Classification Sherloc (09022015). Collection method: clinical testing. Allele origin: germline.
Comment: This sequence change replaces alanine, which is neutral and non-polar, with threonine, which is neutral and polar, at codon 226 of the TBC1D24 protein (p.Ala226Thr). This variant is present in population databases (rs796053401, gnomAD 0.003%). This variant has not been reported in the literature in individuals affected with TBC1D24-related conditions. ClinVar contains an entry for this variant (Variation ID: 207502). Invitae Evidence Modeling of protein sequence and biophysical properties (such as structural, functional, and spatial information, amino acid conservation, physicochemical variation, residue mobility, and thermodynamic stability) indicates that this missense variant is not expected to disrupt TBC1D24 protein function with a negative predictive value of 80%. In summary, the available evidence is currently insufficient to determine the role of this variant in disease. Therefore, it has been classified as a Variant of Uncertain Significance.

Ambry Genetics
Classification: Uncertain significance for Inborn genetic diseases. Last evaluated: 2022-05-18. Review status: criteria provided, single submitter. Criteria: Ambry Variant Classification Scheme 2023. Collection method: clinical testing. Allele origin: germline.

GeneDx
Classification: Uncertain significance. Last evaluated: 2021-10-06. Review status: criteria provided, single submitter. Criteria: GeneDx Variant Classification Process June 2021. Collection method: clinical testing. Allele origin: germline. Affected: yes.
Comment: Has not been previously published as pathogenic or benign to our knowledge; Not observed at significant frequency in large population cohorts (Lek et al., 2016); In silico analysis supports that this missense variant does not alter protein structure/function

Mayo Clinic Laboratories, Mayo Clinic
Classification: Uncertain significance. Last evaluated: 2019-07-14. Review status: criteria provided, single submitter. Criteria: ACMG Guidelines, 2015. Collection method: clinical testing. Allele origin: germline. Observed: 1 variant allele.

NM_001199107.2(TBC1D24):c.676G>A (p.Ala226Thr)

Gene: TBC1D24 (TBC1 domain family member 24; plus strand). Cytogenetic location: 16p13.3.
Variant type: single nucleotide variant.
Coding change: c.676G>A on transcript NM_001199107.2 (MANE Select); coding-DNA position 676, G replaced by A.
Protein change: p.Ala226Thr; replaces alanine 226 with threonine.
Molecular consequence: missense variant.
Genome position (GRCh38, 1-based): chr16:2,496,824, G>A. VCF-style: chr16-2496824-G-A. GRCh37 (hg19) VCF-style: chr16-2546825-G-A.
Other names: p.A226T:GCC>ACC; c.676G>A, p.Ala226Thr (NM_020705.3); short protein forms A226T.
Identifiers: ClinVar variation 207502 (VCV000207502.15), dbSNP rs796053401, ClinGen allele CA319032.
Genomic context (GRCh38, chr16:2,496,824, plus strand): 5'-CTGCAGGTCTATGCGGACTGGCAGCGCTGGCTGTTTGGGGAGCTGCCCCTCTGCTACTTC[G>A]CCCGGGTCTTTGACGTCTTCCTGGTGGAGGGCTACAAGGTGCTGTACCGCGTGGCGCTGG-3'
Protein context (NP_001186036.1, residues 216-236): LFGELPLCYF[Ala226Thr]RVFDVFLVEG